The following is an entry in ClinVar:

ClinVar aggregate classification (germline): Likely benign. Review status: criteria provided, multiple submitters, no conflicts (2 of 4 stars). 3 submissions from 3 submitters: Likely benign (3). Last evaluated 2026-01-26.

Conditions:
CYP4V2-related disorder. Also called: CYP4V2-related condition; CYP4V2-related disorders.

Allele frequency attached by ClinVar (database versions not stated): ExAC 0.00007; gnomAD exomes 0.00007 and 0.00008; 1000 Genomes Project 0.00040; gnomAD 0.00042 and 0.00044; 1000 Genomes Project 30x 0.00047; TOPMed 0.00100.
gnomAD v4.1: 194 of 1,614,214 alleles (0.012%); highest among the groups gnomAD compares: Admixed American, 0.15%; 2 homozygotes.

Submissions (3):

Labcorp Genetics (formerly Invitae), Labcorp
Classification: Likely benign. Last evaluated: 2026-01-26. Review status: criteria provided, single submitter. Criteria: Invitae Variant Classification Sherloc (09022015). Collection method: clinical testing. Allele origin: germline.

PreventionGenetics, part of Exact Sciences
Classification: Likely benign for CYP4V2-related condition. Last evaluated: 2024-10-31. Review status: criteria provided, single submitter. Criteria: ACMG Guidelines, 2015. Collection method: clinical testing. Allele origin: germline.
Comment: This variant is classified as likely benign based on ACMG/AMP sequence variant interpretation guidelines (Richards et al. 2015 PMID: 25741868, with internal and published modifications).

Blueprint Genetics
Classification: Likely benign. Last evaluated: 2024-10-03. Review status: criteria provided, single submitter. Criteria: ACMG Guidelines, 2015. Collection method: clinical testing. Allele origin: germline.

NM_207352.4(CYP4V2):c.270G>A (p.Leu90=)

Gene: CYP4V2 (cytochrome P450 family 4 subfamily V member 2; plus strand). Cytogenetic location: 4q35.1.
Variant type: single nucleotide variant.
Coding change: c.270G>A on transcript NM_207352.4 (MANE Select); coding-DNA position 270, G replaced by A.
Protein change: p.Leu90=; no amino-acid change (leucine 90 retained).
Molecular consequence: synonymous variant.
Genome position (GRCh38, 1-based): chr4:186,194,555, G>A. VCF-style: chr4-186194555-G-A. GRCh37 (hg19) VCF-style: chr4-187115709-G-A.
Identifiers: ClinVar variation 722704 (VCV000722704.13), dbSNP rs192920673, ClinGen allele CA3162487.